The following is an entry in ClinVar:

NM_002661.5(PLCG2):c.485G>C (p.Ser162Thr)

Gene: PLCG2 (phospholipase C gamma 2; plus strand). Cytogenetic location: 16q23.3.
Variant type: single nucleotide variant.
Coding change: c.485G>C on transcript NM_002661.5 (MANE Select); coding-DNA position 485, G replaced by C.
Protein change: p.Ser162Thr; replaces serine 162 with threonine.
Molecular consequence: missense variant.
Genome position (GRCh38, 1-based): chr16:81,869,219, G>C. VCF-style: chr16-81869219-G-C. GRCh37 (hg19) VCF-style: chr16-81902824-G-C.
Other names: c.485G>C (NM_002661.3); short protein forms S162T.
Identifiers: ClinVar variation 1409257 (VCV001409257.12), dbSNP rs142022471, ClinGen allele CA8193246.
Genomic context (GRCh38, chr16:81,869,219, plus strand): 5'-TCCTGTGCTGTTGAAAACCCTCAAGGTGACAGAACTGGGTCTCCCTCTTTTGCAGCATCA[G>C]TCTCCGAGAGTTGAAGACCATCTTGCCCCTGATCAACTTTAAAGTGAGCAGTGCCAAGTT-3'
Protein context (NP_002652.2, residues 152-172): SVDQTRRNSI[Ser162Thr]LRELKTILPL

ClinVar aggregate classification (germline): Uncertain significance. Review status: criteria provided, multiple submitters, no conflicts (2 of 4 stars). 4 submissions from 4 submitters: Uncertain significance (4). Last evaluated 2025-03-05.

Conditions:
Familial cold autoinflammatory syndrome 3 (FCAS3). Also called: ANTIBODY DEFICIENCY AND IMMUNE DYSREGULATION, PLCG2-ASSOCIATED; FAMILIAL ATYPICAL COLD URTICARIA. Identifiers: Orphanet 300359, MedGen C3280914, MONDO:0013766, OMIM 614468.
Inborn genetic diseases. Identifiers: MedGen C0950123, MeSH D030342.
Autoinflammation-PLCG2-associated antibody deficiency-immune dysregulation. Also called: Autoinflammation, antibody deficiency, and immune dysregulation, plcg2-associated; Autoinflammation, antibody deficiency, and immune dysregulation syndrome; AUTOINFLAMMATION, ANTIBODY DEFICIENCY, AND IMMUNE DYSREGULATION. Identifiers: Orphanet 324530, MedGen C3553961, MONDO:0013944, OMIM 614878.

Allele frequency attached by ClinVar (database versions not stated): gnomAD exomes 0.00001 and 0.00002; ExAC 0.00004; gnomAD 0.00005; TOPMed 0.00007; ESP Exome Variant Server 0.00008; 1000 Genomes Project 30x 0.00016; 1000 Genomes Project 0.00020.
gnomAD v4.1: 30 of 1,613,490 alleles (0.0019%); highest among the groups gnomAD compares: Middle Eastern, 0.033%; no homozygotes.

Submissions (4):

Labcorp Genetics (formerly Invitae), Labcorp
Classification: Uncertain significance for Familial cold autoinflammatory syndrome 3. Last evaluated: 2025-03-05. Review status: criteria provided, single submitter. Criteria: Invitae Variant Classification Sherloc (09022015). Collection method: clinical testing. Allele origin: germline.
Comment: This sequence change replaces serine, which is neutral and polar, with threonine, which is neutral and polar, at codon 162 of the PLCG2 protein (p.Ser162Thr). This variant is present in population databases (rs142022471, gnomAD 0.03%). This variant has not been reported in the literature in individuals affected with PLCG2-related conditions. ClinVar contains an entry for this variant (Variation ID: 1409257). An algorithm developed to predict the effect of missense changes on protein structure and function (PolyPhen-2) suggests that this variant is likely to be tolerated. In summary, the available evidence is currently insufficient to determine the role of this variant in disease. Therefore, it has been classified as a Variant of Uncertain Significance.

Ambry Genetics
Classification: Uncertain significance for Inborn genetic diseases. Last evaluated: 2023-08-28. Review status: criteria provided, single submitter. Criteria: Ambry Variant Classification Scheme 2023. Collection method: clinical testing. Allele origin: germline.

Blueprint Genetics
Classification: Uncertain significance. Last evaluated: 2023-04-13. Review status: criteria provided, single submitter. Criteria: ACMG Guidelines, 2015. Collection method: clinical testing. Allele origin: germline.

Fulgent Genetics
Classification: Uncertain significance for Familial cold autoinflammatory syndrome 3; Autoinflammation-PLCG2-associated antibody deficiency-immune dysregulation. Last evaluated: 2022-04-13. Review status: criteria provided, single submitter. Criteria: ACMG Guidelines, 2015. Collection method: clinical testing. Allele origin: unknown.